The following is an entry in ClinVar:

NM_198123.2(CSMD3):c.1434T>G (p.Gly478=)

Gene: CSMD3 (CUB and Sushi multiple domains 3; minus strand). Cytogenetic location: 8q23.3.
Variant type: single nucleotide variant.
Coding change: c.1434T>G on transcript NM_198123.2 (MANE Select); coding-DNA position 1434, T replaced by G.
Protein change: p.Gly478=; no amino-acid change (glycine 478 retained).
Molecular consequence: synonymous variant.
Genome position (GRCh38, 1-based): chr8:112,947,864, A>C on the plus strand (T>G on the coding strand, the complement: CSMD3 is on the minus strand). VCF-style: chr8-112947864-A-C. GRCh37 (hg19) VCF-style: chr8-113960093-A-C.
Other names: c.1434T>G (NM_198123.1); c.1044T>G, p.Gly348= (NM_001363185.1); c.1122T>G, p.Gly374= (NM_052900.3); c.1314T>G, p.Gly438= (NM_198124.2).
Identifiers: ClinVar variation 2658765 (VCV002658765.25), dbSNP rs61753740, ClinGen allele CA4850976.
Genomic context (GRCh38, chr8:112,947,864, plus strand): 5'-GATTCTCTTCCCATTTTCTGGTTCTCCTGGATCTGGGCATAAATTGGAAGCTGTTTTAAT[A>C]CCTCCCTCATTTACTGCAACAGCAGGGAAAAAAGAAAAAAGAAACAAAATATATGTGATT-3'
Protein context (NP_937756.1, residues 468-488): SNKFSILNEG[Gly478=]IKTASNLCPD

ClinVar aggregate classification (germline): Likely benign. Review status: criteria provided, single submitter (1 of 4 stars). 2 submissions from 2 submitters: Likely benign (1). 1 of the submissions does not count toward it. Last evaluated 2023-03-01.

Conditions:
CSMD3-related disorder. Also called: CSMD3-related condition.

Allele frequency attached by ClinVar (database versions not stated): TOPMed 0.00241; ExAC 0.00266; ESP Exome Variant Server 0.00277; 1000 Genomes Project 30x 0.00062; 1000 Genomes Project 0.00080; gnomAD 0.00216.
gnomAD v4.1: 3,752 of 1,481,848 alleles (0.25%); highest among the groups gnomAD compares: Middle Eastern, 2%; 17 homozygotes.

Submissions (2):

CeGaT Center for Human Genetics Tuebingen
Classification: Likely benign. Last evaluated: 2023-03-01. Review status: criteria provided, single submitter. Criteria: CeGaT Center For Human Genetics Tuebingen Variant Classification Criteria Version 2. Collection method: clinical testing. Allele origin: germline. Affected: yes. Observed: 1 variant allele.
Comment: CSMD3: BP4, BP7, BS2

PreventionGenetics, part of Exact Sciences
Classification: Likely benign for CSMD3-related condition. Last evaluated: 2019-05-25. Review status: no assertion criteria provided. Collection method: clinical testing. Allele origin: germline. Not counted in ClinVar's aggregate classification.
Comment: This variant is classified as likely benign based on ACMG/AMP sequence variant interpretation guidelines (Richards et al. 2015 PMID: 25741868, with internal and published modifications).